The following is an entry in ClinVar:

ClinVar aggregate classification (germline): Uncertain significance (1 of 4 stars; one submission).

Conditions:
Cardiovascular phenotype. Identifiers: MedGen CN230736.

Allele frequency attached by ClinVar (database versions not stated): gnomAD exomes 0.00001; gnomAD 0.00002; ExAC 0.00004; 1000 Genomes Project 30x 0.00047; 1000 Genomes Project 0.00060.
gnomAD v4.1: 13 of 1,613,972 alleles (0.00081%); highest among the groups gnomAD compares: South Asian, 0.014%; no homozygotes.

Submission:

Ambry Genetics
Classification: Uncertain significance for Cardiovascular phenotype. Last evaluated: 2022-03-04. Review status: criteria provided, single submitter. Criteria: Ambry Variant Classification Scheme 2023. Collection method: clinical testing. Allele origin: germline.
Comment: The p.A187V variant (also known as c.560C>T), located in coding exon 7 of the TXNRD2 gene, results from a C to T substitution at nucleotide position 560. The alanine at codon 187 is replaced by valine, an amino acid with similar properties. This amino acid position is conserved. In addition, this alteration is predicted to be deleterious by in silico analysis. Since supporting evidence is limited at this time, the clinical significance of this alteration remains unclear.

NM_006440.5(TXNRD2):c.560C>T (p.Ala187Val)

Gene: TXNRD2 (thioredoxin reductase 2; minus strand). Cytogenetic location: 22q11.21.
Variant type: single nucleotide variant.
Coding change: c.560C>T on transcript NM_006440.5 (MANE Select); coding-DNA position 560, C replaced by T.
Protein change: p.Ala187Val; replaces alanine 187 with valine.
Molecular consequence: missense variant. On other transcripts: non-coding transcript variant (1).
Genome position (GRCh38, 1-based): chr22:19,915,245, G>A on the plus strand (C>T on the coding strand, the complement: TXNRD2 is on the minus strand). VCF-style: chr22-19915245-G-A. GRCh37 (hg19) VCF-style: chr22-19902768-G-A.
Other names: c.560C>T, p.Ala187Val (NM_001282512.3); c.557C>T, p.Ala186Val (NM_001352300.2); c.470C>T, p.Ala157Val (NM_001352301.2); c.272C>T, p.Ala91Val (NM_001352302.2); c.464C>T, p.Ala155Val (NM_001352303.2); short protein forms A186V, A187V, A155V, A157V, A91V.
Identifiers: ClinVar variation 1748620 (VCV001748620.2), dbSNP rs529965782, ClinGen allele CA10104130.
Genomic context (GRCh38, chr22:19,915,245, plus strand): 5'-CAGGGACGCTATGCTCTGGGGACACTCACGTGCGTGGGGTATCTCGGCCGCCCTCCAGTA[G>A]CAATGATGATGTGATCGGCTGACAGCAGAATCTGAGGAGAAAAAGAGAAAGCCGTGGGTC-3'
Protein context (NP_006431.2, residues 177-197): ILLSADHIII[Ala187Val]TGGRPRYPTH